The following is an entry in ClinVar:

NM_020806.5(GPHN):c.1327C>T (p.Arg443Trp)

Gene: GPHN (gephyrin; plus strand). Cytogenetic location: 14q23.3.
Variant type: single nucleotide variant.
Coding change: c.1327C>T on transcript NM_020806.5 (MANE Select); coding-DNA position 1327, C replaced by T.
Protein change: p.Arg443Trp; replaces arginine 443 with tryptophan.
Molecular consequence: missense variant.
Genome position (GRCh38, 1-based): chr14:67,110,173, C>T. VCF-style: chr14-67110173-C-T. GRCh37 (hg19) VCF-style: chr14-67576890-C-T.
Other names: c.1228C>T, p.Arg410Trp (NM_001024218.2); c.1387C>T, p.Arg463Trp (NM_001377514.1); c.1357C>T, p.Arg453Trp (NM_001377515.1); c.1348C>T, p.Arg450Trp (NM_001377516.1); c.1300C>T, p.Arg434Trp (NM_001377517.1); c.1285C>T, p.Arg429Trp (NM_001377518.1); c.1267C>T, p.Arg423Trp (NM_001377519.1); short protein forms R410W, R423W, R429W, R434W, R443W, R450W, R453W, R463W.
Identifiers: ClinVar variation 3609768 (VCV003609768.2).
Genomic context (GRCh38, chr14:67,110,173, plus strand): 5'-AACTGTCTTTTTCATCTTTATTTCCAGCCAACTCAGACAGTAATGCCAGGACAAGTCATG[C>T]GGGTTACAACAGGTGCTCCAATACCCTGCGGTGCTGATGCAGTAGTACAAGTGGAAGATA-3'
Protein context (NP_065857.1, residues 433-453): TQTVMPGQVM[Arg443Trp]VTTGAPIPCG

ClinVar aggregate classification (germline): Uncertain significance (1 of 4 stars; one submission).

Conditions:
Sulfite oxidase deficiency due to molybdenum cofactor deficiency type C. Also called: Molybdenum cofactor deficiency, complementation group C; Molybdenum cofactor deficiency C. Identifiers: Orphanet 308400, Orphanet 833, MedGen C1854990, MONDO:0014212, OMIM 615501.

gnomAD v4.1: 9 of 1,611,556 alleles (0.00056%); highest among the groups gnomAD compares: Non-Finnish European, 0.00051%; no homozygotes.

Submissions (3):

Labcorp Genetics (formerly Invitae), Labcorp
Classification: Uncertain significance for Sulfite oxidase deficiency due to molybdenum cofactor deficiency type C. Last evaluated: 2024-06-18. Review status: criteria provided, single submitter. Criteria: Invitae Variant Classification Sherloc (09022015). Collection method: clinical testing. Allele origin: germline.
Comment: This sequence change replaces arginine, which is basic and polar, with tryptophan, which is neutral and slightly polar, at codon 443 of the GPHN protein (p.Arg443Trp). This variant is present in population databases (no rsID available, gnomAD 0.3%). This variant has not been reported in the literature in individuals affected with GPHN-related conditions. Advanced modeling of protein sequence and biophysical properties (such as structural, functional, and spatial information, amino acid conservation, physicochemical variation, residue mobility, and thermodynamic stability) performed at Invitae indicates that this missense variant is not expected to disrupt GPHN protein function with a negative predictive value of 80%. In summary, the available evidence is currently insufficient to determine the role of this variant in disease. Therefore, it has been classified as a Variant of Uncertain Significance.

Dr. Peter K. Rogan Lab, Western University
No classification provided (evidence only). Condition: Ovarian serous cystadenocarcinoma. Review status: no classification provided. Collection method: in vitro. Allele origin: not applicable. Functional consequence: retained intron. Not counted in ClinVar's aggregate classification.

Dr. Peter K. Rogan Lab, Western University
No classification provided (evidence only). Condition: Ovarian serous cystadenocarcinoma. Review status: no classification provided. Collection method: in vitro. Allele origin: not applicable. Functional consequence: retained intron. Not counted in ClinVar's aggregate classification.